The following is an entry in ClinVar:

NM_019109.5(ALG1):c.292C>G (p.Pro98Ala)

Gene: ALG1 (ALG1 chitobiosyldiphosphodolichol beta-mannosyltransferase; plus strand). Cytogenetic location: 16p13.3.
Variant type: single nucleotide variant.
Coding change: c.292C>G on transcript NM_019109.5 (MANE Select); coding-DNA position 292, C replaced by G.
Protein change: p.Pro98Ala; replaces proline 98 with alanine.
Molecular consequence: missense variant. On other transcripts: 5 prime UTR variant (1).
Genome position (GRCh38, 1-based): chr16:5,073,158, C>G. VCF-style: chr16-5073158-C-G. GRCh37 (hg19) VCF-style: chr16-5123159-C-G.
Other names: c.-42C>G (NM_001330504.2); short protein forms P98A.
Identifiers: ClinVar variation 1483376 (VCV001483376.6), dbSNP rs1252818613, ClinGen allele CA394679808.

ClinVar aggregate classification (germline): Uncertain significance (1 of 4 stars; one submission).

Conditions:
ALG1-congenital disorder of glycosylation. Also called: ALG1-CDG; CONGENITAL DISORDER OF GLYCOSYLATION, TYPE Ik; CDG Ik. Identifiers: Orphanet 79327, MedGen C2931005, MONDO:0012052, OMIM 608540.

Submission:

Labcorp Genetics (formerly Invitae), Labcorp
Classification: Uncertain significance for ALG1-congenital disorder of glycosylation. Last evaluated: 2022-06-20. Review status: criteria provided, single submitter. Criteria: Invitae Variant Classification Sherloc (09022015). Collection method: clinical testing. Allele origin: germline.
Comment: This variant is not present in population databases (gnomAD no frequency). This variant has not been reported in the literature in individuals affected with ALG1-related conditions. Advanced modeling of protein sequence and biophysical properties (such as structural, functional, and spatial information, amino acid conservation, physicochemical variation, residue mobility, and thermodynamic stability) performed at Invitae indicates that this missense variant is expected to disrupt ALG1 protein function. In summary, the available evidence is currently insufficient to determine the role of this variant in disease. Therefore, it has been classified as a Variant of Uncertain Significance. This sequence change replaces proline, which is neutral and non-polar, with alanine, which is neutral and non-polar, at codon 98 of the ALG1 protein (p.Pro98Ala).